The following is an entry in ClinVar:

NM_001110556.2(FLNA):c.4143G>C (p.Arg1381Ser)

Gene: FLNA (filamin A; minus strand). Cytogenetic location: Xq28.
Variant type: single nucleotide variant.
Coding change: c.4143G>C on transcript NM_001110556.2 (MANE Select); coding-DNA position 4143, G replaced by C.
Protein change: p.Arg1381Ser; replaces arginine 1381 with serine.
Molecular consequence: missense variant.
Genome position (GRCh38, 1-based): chrX:154,359,406, C>G on the plus strand (G>C on the coding strand, the complement: FLNA is on the minus strand). VCF-style: chrX-154359406-C-G. GRCh37 (hg19) VCF-style: chrX-153587774-C-G.
Other names: c.4143G>C, p.Arg1381Ser (NM_001456.4); short protein forms R1381S.
Identifiers: ClinVar variation 2133566 (VCV002133566.5), dbSNP rs2522738343, ClinGen allele CA415219086.

ClinVar aggregate classification (germline): Uncertain significance (1 of 4 stars; one submission).

Conditions:
Oto-palato-digital syndrome, type II (OPD2). Also called: Otopalatodigital Syndrome Type 2 (FLNA-OPD2); Otopalatodigital Syndrome, Type II; FACIOPALATOOSSEOUS SYNDROME; OPD II SYNDROME. Identifiers: Orphanet 669, Orphanet 90652, MedGen C1844696, MONDO:0010571, OMIM 304120.
Frontometaphyseal dysplasia (FMD1). Identifiers: Orphanet 1826, MedGen C0265293, MONDO:0015942.
Melnick-Needles syndrome (MNS). Also called: Melnick-Needles Syndrome (FLNA-MNS); MELNICK-NEEDLES OSTEODYSPLASTY; OSTEODYSPLASTY OF MELNICK AND NEEDLES. Identifiers: Orphanet 2484, MedGen C0025237, MONDO:0010650, OMIM 309350.
Heterotopia, periventricular, X-linked dominant (PVNH1). Also called: PERIVENTRICULAR NODULAR HETEROTOPIA 4; HETEROTOPIA, PERIVENTRICULAR, 1; X-linked periventricular heterotopia; PERIVENTRICULAR NODULAR HETEROTOPIA 1. Identifiers: Orphanet 2149, Orphanet 82004, MedGen C1848213, MONDO:0010233, OMIM 300049.

Submissions (3):

Labcorp Genetics (formerly Invitae), Labcorp
Classification: Uncertain significance for Oto-palato-digital syndrome, type II; Heterotopia, periventricular, X-linked dominant; Frontometaphyseal dysplasia; Melnick-Needles syndrome. Last evaluated: 2025-10-01. Review status: criteria provided, single submitter. Criteria: Invitae Variant Classification Sherloc (09022015). Collection method: clinical testing. Allele origin: germline.
Comment: This sequence change replaces arginine, which is basic and polar, with serine, which is neutral and polar, at codon 1381 of the FLNA protein (p.Arg1381Ser). This variant is not present in population databases (gnomAD no frequency). This variant has not been reported in the literature in individuals affected with FLNA-related conditions. ClinVar contains an entry for this variant (Variation ID: 2133566). An algorithm developed to predict the effect of missense changes on protein structure and function (PolyPhen-2) suggests that this variant is likely to be disruptive. In summary, the available evidence is currently insufficient to determine the role of this variant in disease. Therefore, it has been classified as a Variant of Uncertain Significance.

Dr. Peter K. Rogan Lab, Western University
No classification provided (evidence only). Condition: Thyroid cancer, nonmedullary, 1. Review status: no classification provided. Collection method: in vitro. Allele origin: not applicable. Functional consequence: retained intron. Not counted in ClinVar's aggregate classification.

Dr. Peter K. Rogan Lab, Western University
No classification provided (evidence only). Condition: Thyroid cancer, nonmedullary, 1. Review status: no classification provided. Collection method: in vitro. Allele origin: not applicable. Functional consequence: retained intron. Not counted in ClinVar's aggregate classification.